The following is an entry in ClinVar:

ClinVar aggregate classification (germline): Uncertain significance. Review status: criteria provided, multiple submitters, no conflicts (2 of 4 stars). 3 submissions from 3 submitters: Uncertain significance (3). Last evaluated 2025-12-08.

Conditions:
Cardiovascular phenotype. Identifiers: MedGen CN230736.
Inborn genetic diseases. Identifiers: MedGen C0950123, MeSH D030342.

Allele frequency attached by ClinVar (database versions not stated): gnomAD 0.00004; TOPMed 0.00006.
gnomAD v4.1: 65 of 1,613,586 alleles (0.004%); highest among the groups gnomAD compares: East Asian, 0.0089%; no homozygotes.

Submissions (3):

Labcorp Genetics (formerly Invitae), Labcorp
Classification: Uncertain significance. Last evaluated: 2025-12-08. Review status: criteria provided, single submitter. Criteria: Invitae Variant Classification Sherloc (09022015). Collection method: clinical testing. Allele origin: germline.
Comment: This sequence change replaces arginine, which is basic and polar, with histidine, which is basic and polar, at codon 354 of the TNNI3K protein (p.Arg354His). This variant is present in population databases (rs201470572, gnomAD 0.01%). This variant has not been reported in the literature in individuals affected with TNNI3K-related conditions. ClinVar contains an entry for this variant (Variation ID: 2073881). Invitae Evidence Modeling of protein sequence and biophysical properties (such as structural, functional, and spatial information, amino acid conservation, physicochemical variation, residue mobility, and thermodynamic stability) indicates that this missense variant is not expected to disrupt TNNI3K protein function with a negative predictive value of 80%. In summary, the available evidence is currently insufficient to determine the role of this variant in disease. Therefore, it has been classified as a Variant of Uncertain Significance.

Molecular Diagnostic Laboratory for Inherited Cardiovascular Disease, Montreal Heart Institute
Classification: Uncertain significance for Cardiovascular phenotype. Last evaluated: 2025-04-09. Review status: criteria provided, single submitter. Criteria: ACMG Guidelines, 2015. Collection method: clinical testing. Allele origin: germline. Affected: yes.

Ambry Genetics
Classification: Uncertain significance for Inborn genetic diseases. Last evaluated: 2024-08-20. Review status: criteria provided, single submitter. Criteria: Ambry Variant Classification Scheme 2023. Collection method: clinical testing. Allele origin: germline.

NM_015978.3(TNNI3K):c.1061G>A (p.Arg354His)

Genes: FPGT-TNNI3K (FPGT-TNNI3K readthrough; plus strand), TNNI3K (TNNI3 interacting kinase; plus strand). Cytogenetic location: 1p31.1.
Variant type: single nucleotide variant.
Coding change: c.1061G>A on transcript NM_015978.3 (MANE Select); coding-DNA position 1061, G replaced by A.
Protein change: p.Arg354His; replaces arginine 354 with histidine.
Molecular consequence: missense variant.
Genome position (GRCh38, 1-based): chr1:74,354,013, G>A. VCF-style: chr1-74354013-G-A. GRCh37 (hg19) VCF-style: chr1-74819697-G-A.
Other names: c.1364G>A, p.Arg455His (NM_001112808.3, NM_001199327.2); c.1061G>A (NM_015978.2); short protein forms R354H, R455H.
Identifiers: ClinVar variation 2073881 (VCV002073881.6), dbSNP rs201470572, ClinGen allele CA909142.